The following is an entry in ClinVar:

NM_000246.4(CIITA):c.680T>C (p.Ile227Thr)

Gene: CIITA (class II major histocompatibility complex transactivator; plus strand). Cytogenetic location: 16p13.13.
Variant type: single nucleotide variant.
Coding change: c.680T>C on transcript NM_000246.4 (MANE Select); coding-DNA position 680, T replaced by C.
Protein change: p.Ile227Thr; replaces isoleucine 227 with threonine.
Molecular consequence: missense variant. On other transcripts: non-coding transcript variant (1).
Genome position (GRCh38, 1-based): chr16:10,902,709, T>C. VCF-style: chr16-10902709-T-C. GRCh37 (hg19) VCF-style: chr16-10996566-T-C.
Other names: c.683T>C, p.Ile228Thr (NM_001286402.1, NM_001379332.1); c.533T>C, p.Ile178Thr (NM_001286403.2, NM_001379331.1); c.536T>C, p.Ile179Thr (NM_001379330.1); c.680T>C, p.Ile227Thr (NM_001379333.1); c.611T>C, p.Ile204Thr (NM_001379334.1); c.680T>C (NM_000246.3); short protein forms I204T, I179T, I227T, I228T, I178T.
Identifiers: ClinVar variation 1396059 (VCV001396059.6), dbSNP rs765306236, ClinGen allele CA394728620.

ClinVar aggregate classification (germline): Uncertain significance. Review status: criteria provided, multiple submitters, no conflicts (2 of 4 stars). 2 submissions from 2 submitters: Uncertain significance (2). Last evaluated 2025-09-01.

Conditions:
Inborn genetic diseases. Identifiers: MedGen C0950123, MeSH D030342.
MHC class II deficiency. Also called: BLS, TYPE II; Bare lymphocyte syndrome 2. Identifiers: Orphanet 572, MedGen C5447452, MONDO:0008855.

Allele frequency attached by ClinVar (database versions not stated): gnomAD 0.00001; TOPMed 0.00001.
gnomAD v4.1: 4 of 1,614,082 alleles (0.00025%); highest among the groups gnomAD compares: South Asian, 0.0011%; no homozygotes.

Submissions (2):

Ambry Genetics
Classification: Uncertain significance for Inborn genetic diseases. Last evaluated: 2025-09-01. Review status: criteria provided, single submitter. Criteria: Ambry Variant Classification Scheme 2023. Collection method: clinical testing. Allele origin: germline.

Labcorp Genetics (formerly Invitae), Labcorp
Classification: Uncertain significance for MHC class II deficiency. Last evaluated: 2021-08-31. Review status: criteria provided, single submitter. Criteria: Invitae Variant Classification Sherloc (09022015). Collection method: clinical testing. Allele origin: germline.
Comment: This sequence change replaces isoleucine with threonine at codon 227 of the CIITA protein (p.Ile227Thr). The isoleucine residue is moderately conserved and there is a moderate physicochemical difference between isoleucine and threonine. This variant is not present in population databases (ExAC no frequency). This variant has not been reported in the literature in individuals affected with CIITA-related conditions. Algorithms developed to predict the effect of missense changes on protein structure and function are either unavailable or do not agree on the potential impact of this missense change (SIFT: "Deleterious"; PolyPhen-2: "Benign"; Align-GVGD: "Class C0"). In summary, the available evidence is currently insufficient to determine the role of this variant in disease. Therefore, it has been classified as a Variant of Uncertain Significance.